The following is an entry in ClinVar:

NM_003000.3(SDHB):c.18_19delinsAG (p.Leu7Val)

Gene: SDHB (succinate dehydrogenase complex iron sulfur subunit B; minus strand). Cytogenetic location: 1p36.13.
Variant type: Indel.
Coding change: c.18_19delinsAG on transcript NM_003000.3 (MANE Select); coding-DNA positions 18 to 19, CC replaced by AG.
Protein change: p.Leu7Val; replaces leucine 7 with valine.
Molecular consequence: missense variant.
Genome position (GRCh38, 1-based): chr1:17,054,001-17,054,002, GG replaced by CT on the plus strand (CC replaced by AG on the coding strand, the reverse complement: SDHB is on the minus strand). VCF-style: chr1-17054001-GG-CT. GRCh37 (hg19) VCF-style: chr1-17380496-GG-CT.
Other names: c.18_19delCCinsAG (NM_003000.2); short protein forms L7V.
Identifiers: ClinVar variation 1401025 (VCV001401025.7), dbSNP rs2078164049, ClinGen allele CA2573130772.

ClinVar aggregate classification (germline): Conflicting classifications of pathogenicity. Review status: criteria provided, conflicting classifications (1 of 4 stars). 2 submissions from 2 submitters: Uncertain significance (1); Likely benign (1). Last evaluated 2025-12-30.

Conditions:
Pheochromocytoma. Also called: MAX-Related Hereditary Paraganglioma-Pheochromocytoma Syndrome. Identifiers: Orphanet 29072, MedGen C0031511, MONDO:0008233, OMIM 171300, HP:0002666.
Pheochromocytoma/paraganglioma syndrome 4. Also called: CAROTID BODY TUMORS AND MULTIPLE EXTRAADRENAL PHEOCHROMOCYTOMAS; PARAGANGLIOMA, FAMILIAL MALIGNANT; PARAGANGLIOMAS, HEREDITARY EXTRAADRENAL; PHEOCHROMOCYTOMA, FAMILIAL EXTRAADRENAL; Paragangliomas 4; SDHB-Related Hereditary Paraganglioma-Pheochromocytoma Syndrome (Paragangliomas 4). Identifiers: Orphanet 29072, MedGen C1861848, MONDO:0007273, OMIM 115310.
Gastrointestinal stromal tumor. Also called: Gastrointestinal stroma tumor; Gastrointestinal stromal tumor, somatic. Identifiers: Orphanet 44890, MedGen C0238198, MeSH D046152, MONDO:0011719, OMIM 606764, HP:0100723.
Hereditary cancer-predisposing syndrome. Also called: Tumor predisposition; Hereditary Cancer Syndrome; Hereditary neoplastic syndrome; Neoplastic Syndromes, Hereditary. Identifiers: Orphanet 140162, MedGen C0027672, MeSH D009386, MONDO:0015356.

Submissions (2):

Labcorp Genetics (formerly Invitae), Labcorp
Classification: Uncertain significance for Gastrointestinal stromal tumor; Pheochromocytoma/paraganglioma syndrome 4; Pheochromocytoma. Last evaluated: 2025-12-30. Review status: criteria provided, single submitter. Criteria: Invitae Variant Classification Sherloc (09022015). Collection method: clinical testing. Allele origin: germline.
Comment: This sequence change replaces leucine, which is neutral and non-polar, with valine, which is neutral and non-polar, at codon 7 of the SDHB protein (p.Leu7Val). Information on the frequency of this variant in the gnomAD database is not available, as this variant may be reported differently in the database. This missense change has been observed in individual(s) with paraganglioma-pheochromocytoma syndrome (PMID: 33362715). ClinVar contains an entry for this variant (Variation ID: 1401025). Experimental studies and prediction algorithms are not available or were not evaluated, and the functional significance of this variant is currently unknown. In summary, the available evidence is currently insufficient to determine the role of this variant in disease. Therefore, it has been classified as a Variant of Uncertain Significance.

Ambry Genetics
Classification: Likely benign for Hereditary cancer-predisposing syndrome. Last evaluated: 2023-12-27. Review status: criteria provided, single submitter. Criteria: Ambry Variant Classification Scheme 2023. Collection method: clinical testing. Allele origin: germline.

Literature cited by the submitters: PubMed 33362715 (cited by Labcorp Genetics (formerly Invitae), Labcorp).